The following is an entry in ClinVar:

ClinVar aggregate classification (germline): Likely pathogenic. Review status: criteria provided, multiple submitters, no conflicts (2 of 4 stars). 3 submissions from 3 submitters: Likely pathogenic (3). Last evaluated 2022-09-07.

Conditions:
Cranioectodermal dysplasia 1 (CED1). Also called: LEVIN SYNDROME I. Identifiers: Orphanet 1515, MedGen C0432235, MONDO:0021093, OMIM 218330.

Allele frequency attached by ClinVar (database versions not stated): ExAC 0.00002; gnomAD 0.00007; ESP Exome Variant Server 0.00008; TOPMed 0.00010.

Submissions (3):

Labcorp Genetics (formerly Invitae), Labcorp
Classification: Likely pathogenic for Cranioectodermal dysplasia 1. Last evaluated: 2022-09-07. Review status: criteria provided, single submitter. Criteria: Invitae Variant Classification Sherloc (09022015). Collection method: clinical testing. Allele origin: germline.
Comment: In summary, the currently available evidence indicates that the variant is pathogenic, but additional data are needed to prove that conclusively. Therefore, this variant has been classified as Likely Pathogenic. Algorithms developed to predict the effect of sequence changes on RNA splicing suggest that this variant may disrupt the consensus splice site. ClinVar contains an entry for this variant (Variation ID: 1179090). This variant has not been reported in the literature in individuals affected with IFT122-related conditions. This variant is present in population databases (rs372483083, gnomAD 0.02%). This sequence change affects a donor splice site in intron 4 of the IFT122 gene. It is expected to disrupt RNA splicing. Variants that disrupt the donor or acceptor splice site typically lead to a loss of protein function (PMID: 16199547), and loss-of-function variants in IFT122 are known to be pathogenic (PMID: 20493458, 23826986, 26792575).

Fulgent Genetics
Classification: Likely pathogenic for Cranioectodermal dysplasia 1. Last evaluated: 2022-03-08. Review status: criteria provided, single submitter. Criteria: ACMG Guidelines, 2015. Collection method: clinical testing. Allele origin: unknown.

Juno Genomics, Hangzhou Juno Genomics, Inc
Classification: Likely pathogenic for Cranioectodermal dysplasia 1. Review status: criteria provided, single submitter. Criteria: ACMG Guidelines, 2015. Collection method: clinical testing. Allele origin: germline.
Comment: Null variant in a gene where loss of function (LOF) is a known mechanism of disease.;Absent from controls (or at extremely low frequency if recessive) in Genome Aggregation Database.

Literature cited by the submitters: PubMed 16199547 (cited by Labcorp Genetics (formerly Invitae), Labcorp); PubMed 20493458 (cited by Labcorp Genetics (formerly Invitae), Labcorp); PubMed 23826986 (cited by Labcorp Genetics (formerly Invitae), Labcorp); PubMed 26792575 (cited by Labcorp Genetics (formerly Invitae), Labcorp).

NM_052989.3(IFT122):c.272+1G>A

Gene: IFT122 (intraflagellar transport 122; plus strand). Cytogenetic location: 3q21.3.
Variant type: single nucleotide variant.
Coding change: c.272+1G>A on transcript NM_052989.3 (MANE Select); the canonical splice donor site of the intron after coding-DNA position 272, G replaced by A.
Molecular consequence: splice donor variant. On other transcripts: intron variant (4).
Genome position (GRCh38, 1-based): chr3:129,458,678, G>A. VCF-style: chr3-129458678-G-A. GRCh37 (hg19) VCF-style: chr3-129177521-G-A.
Other names: c.-179+1G>A (NM_001280545.2); c.272+1G>A (NM_052985.4, NM_001280541.2, NM_001410808.1 and 5 more transcripts); c.-178-2550G>A (NM_001280546.2); c.194-4882G>A (NM_052990.3, NM_001410815.1, NM_001410817.1).
Identifiers: ClinVar variation 1179090 (VCV001179090.10), dbSNP rs372483083, ClinGen allele CA2605756.
Genomic context (GRCh38, chr3:129,458,678, plus strand): 5'-ATCAGCTGACAAAAGCGTTATTATCTGGACATCAAAACTGGAAGGCATTCTGAAGTACAC[G>A]TAAGTAACTTAGGTGTACAGTATTATGAGTTTGATGCTTATTGAATAATTGCAGCAAAAG-3'